The following is an entry in ClinVar:

NM_004415.4(DSP):c.2986-3_2995delinsT

Gene: DSP (desmoplakin; plus strand). Cytogenetic location: 6p24.3.
Variant type: Indel.
Coding change: c.2986-3_2995delinsT on transcript NM_004415.4 (MANE Select); 3 bases into the intron before coding-DNA position 2986 through coding-DNA position 2995, AAGGCTGCAGATG replaced by T.
Molecular consequence: splice acceptor variant.
Genome position (GRCh38, 1-based): chr6:7,578,461-7,578,473, AAGGCTGCAGATG replaced by T. VCF-style: chr6-7578461-AAGGCTGCAGATG-T. GRCh37 (hg19) VCF-style: chr6-7578694-AAGGCTGCAGATG-T.
Other names: c.2986-3_2995delinsT (NM_001319034.2, NM_001008844.3).
Identifiers: ClinVar variation 3342550 (VCV003342550.1).

ClinVar aggregate classification (germline): Likely pathogenic (1 of 4 stars; one submission).

Submission:

GeneDx
Classification: Likely pathogenic. Last evaluated: 2024-03-26. Review status: criteria provided, single submitter. Criteria: GeneDx Variant Classification Process June 2021. Collection method: clinical testing. Allele origin: germline. Affected: yes.
Comment: Has not been previously published as pathogenic or benign to our knowledge; Not observed at significant frequency in large population cohorts (gnomAD); Canonical splice site variant with an unclear effect on protein function